The following is an entry in ClinVar:

NM_002617.4(PEX10):c.601-38_601-37del

Gene: PEX10 (peroxisomal biogenesis factor 10; minus strand). Cytogenetic location: 1p36.32.
Variant type: Deletion.
Coding change: c.601-38_601-37del on transcript NM_002617.4 (MANE Select); 38 bases into the intron before coding-DNA position 601 through 37 bases into the intron before coding-DNA position 601, 2 bases deleted (TC; older notation c.601-38_601-37delTC).
Molecular consequence: intron variant. On other transcripts: frameshift variant (3).
Genome position (GRCh38, 1-based): chr1:2,406,932-2,406,933, GA deleted on the plus strand (TC on the coding strand, the reverse complement: PEX10 is on the minus strand); deleting any 2 consecutive bases within chr1:2,406,932-2,406,934 gives the same sequence; the c. name uses the placement nearest the transcript's 3' end. VCF-style (leftmost placement, unchanged base first): chr1-2406931-TGA-T. GRCh37 (hg19) VCF-style: chr1-2338370-TGA-T.
Other names: c.620_621del, p.Leu207fs (NM_001374425.1); c.188_189del, p.Leu63fs (NM_001374426.1); c.623_624del, p.Leu208fs (NM_153818.2); c.169-38_169-37del (NM_001374427.1); c.623_624delTC (NM_153818.1); short protein forms L208fs, L207fs, L63fs.
Identifiers: ClinVar variation 556606 (VCV000556606.9), dbSNP rs1553231896, ClinGen allele CA658820971.
Genomic context (GRCh38, chr1:2,406,931, plus strand): 5'-CTCCGGGCAGGCTGCGGACACGGAGCTGTAAGGCAGATGGCGCCACACTCATCAGGACCC[TGA>T]GGGGATCTGGCCTCAGCGCCTGCTGGGAGGGTCACACGTTCAGTTGGCACAGAGCACGTT-3'

ClinVar aggregate classification (germline): Pathogenic/Likely pathogenic. Review status: criteria provided, multiple submitters, no conflicts (2 of 4 stars). 3 submissions from 3 submitters: Pathogenic (1); Likely pathogenic (1). 1 of the submissions does not count toward it. Last evaluated 2023-08-24.

Conditions:
Peroxisome biogenesis disorder 6A (Zellweger). Also called: Peroxisome biogenesis disorder 6A. Identifiers: Orphanet 912, MedGen C3553947, MONDO:0013936, OMIM 614870.
Peroxisome biogenesis disorder 6B (PBD6B). Identifiers: Orphanet 44, MedGen C3553948, MONDO:0013937, OMIM 614871.
Peroxisome biogenesis disorder, complementation group 7 (CG7). Also called: Peroxisome biogenesis disorder, complementation group B. Identifiers: MedGen C1864399.

Submissions (3):

Baylor Genetics
Classification: Likely pathogenic for Peroxisome biogenesis disorder 6A (Zellweger). Last evaluated: 2023-08-24. Review status: criteria provided, single submitter. Criteria: ACMG Guidelines, 2015. Collection method: clinical testing. Allele origin: unknown.

Labcorp Genetics (formerly Invitae), Labcorp
Classification: Pathogenic for Peroxisome biogenesis disorder, complementation group 7. Last evaluated: 2019-12-06. Review status: criteria provided, single submitter. Criteria: Invitae Variant Classification Sherloc (09022015). Collection method: clinical testing. Allele origin: germline.
Comment: This variant has not been reported in the literature in individuals with PEX10-related conditions. ClinVar contains an entry for this variant (Variation ID: 556606). This variant is not present in population databases (ExAC no frequency). This sequence change creates a premature translational stop signal (p.Leu208Glnfs*28) in the PEX10 gene. It is expected to result in an absent or disrupted protein product. Loss-of-function variants in PEX10 are known to be pathogenic (PMID: 9683594, 10862081, 21031596). For these reasons, this variant has been classified as Pathogenic.

Counsyl
Classification: Likely pathogenic for Peroxisome biogenesis disorder 6A (Zellweger); Peroxisome biogenesis disorder 6B. Last evaluated: 2018-03-30. Review status: no assertion criteria provided. Collection method: clinical testing. Allele origin: unknown. Not counted in ClinVar's aggregate classification.

Literature cited by the submitters: PubMed 9683594 (cited by Labcorp Genetics (formerly Invitae), Labcorp); PubMed 10862081 (cited by Labcorp Genetics (formerly Invitae), Labcorp); PubMed 21031596 (cited by Labcorp Genetics (formerly Invitae), Labcorp).